The following is an entry in ClinVar:

NM_001127644.2(GABRA1):c.-15-20C>T

Gene: GABRA1 (gamma-aminobutyric acid type A receptor subunit alpha1; plus strand). Cytogenetic location: 5q34.
Variant type: single nucleotide variant.
Coding change: c.-15-20C>T on transcript NM_001127644.2 (MANE Select); 20 bases into the intron before 15 bases upstream of the start codon, C replaced by T.
Molecular consequence: intron variant. On other transcripts: 5 prime UTR variant (1).
Genome position (GRCh38, 1-based): chr5:161,850,776, C>T. VCF-style: chr5-161850776-C-T. GRCh37 (hg19) VCF-style: chr5-161277782-C-T.
Other names: c.-35C>T (NM_001127648.2); c.-15-20C>T (NM_000806.5, NM_001127643.2, NM_001127645.2).
Identifiers: ClinVar variation 377901 (VCV000377901.1), dbSNP rs555933670, ClinGen allele CA3544300.

ClinVar aggregate classification (germline): Benign (1 of 4 stars; one submission).

Allele frequency attached by ClinVar (database versions not stated): gnomAD below 0.00001 and 0.00012; TOPMed 0.00002; gnomAD exomes 0.00049; ExAC 0.00056; 1000 Genomes Project 30x 0.00062; 1000 Genomes Project 0.00080.
gnomAD v4.1: 373 of 1,600,416 alleles (0.023%); highest among the groups gnomAD compares: South Asian, 0.4%; 2 homozygotes.

Submission:

GeneDx
Classification: Benign. Last evaluated: 2015-04-12. Review status: criteria provided, single submitter. Criteria: GeneDx Variant Classification (06012015). Collection method: clinical testing. Allele origin: germline. Affected: yes.
Comment: This variant is considered likely benign or benign based on one or more of the following criteria: it is a conservative change, it occurs at a poorly conserved position in the protein, it is predicted to be benign by multiple in silico algorithms, and/or has population frequency not consistent with disease.